The following is an entry in ClinVar:

ClinVar aggregate classification (germline): Uncertain significance (1 of 4 stars; one submission).

Allele frequency attached by ClinVar (database versions not stated): TOPMed below 0.00001; gnomAD exomes 0.00001; ExAC 0.00003; gnomAD 0.00003; 1000 Genomes Project 0.00020; 1000 Genomes Project 30x 0.00031.

Submission:

Ambry Genetics
Classification: Uncertain significance. Last evaluated: 2022-05-21. Review status: criteria provided, single submitter. Criteria: Ambry Variant Classification Scheme 2023. Collection method: clinical testing. Allele origin: germline.
Comment: The p.I104T variant (also known as c.311T>C), located in coding exon 2 of the MNDA gene, results from a T to C substitution at nucleotide position 311. The isoleucine at codon 104 is replaced by threonine, an amino acid with similar properties. This amino acid position is conserved. In addition, this alteration is predicted to be tolerated by in silico analysis. Since supporting evidence is limited at this time, the clinical significance of this alteration remains unclear.

NM_002432.3(MNDA):c.311T>C (p.Ile104Thr)

Gene: MNDA (myeloid cell nuclear differentiation antigen; plus strand). Cytogenetic location: 1q23.1.
Variant type: single nucleotide variant.
Coding change: c.311T>C on transcript NM_002432.3 (MANE Select); coding-DNA position 311, T replaced by C.
Protein change: p.Ile104Thr; replaces isoleucine 104 with threonine.
Molecular consequence: missense variant.
Genome position (GRCh38, 1-based): chr1:158,843,324, T>C. VCF-style: chr1-158843324-T-C. GRCh37 (hg19) VCF-style: chr1-158813114-T-C.
Other names: short protein forms I104T.
Identifiers: ClinVar variation 1727852 (VCV001727852.2), dbSNP rs573928023, ClinGen allele CA1185556.